The following is an entry in ClinVar:

NM_001130009.3(GEN1):c.526G>T (p.Asp176Tyr)

Gene: GEN1 (GEN1 Holliday junction 5' flap endonuclease; plus strand). Cytogenetic location: 2p24.2.
Variant type: single nucleotide variant.
Coding change: c.526G>T on transcript NM_001130009.3 (MANE Select); coding-DNA position 526, G replaced by T.
Protein change: p.Asp176Tyr; replaces aspartic acid 176 with tyrosine.
Molecular consequence: missense variant.
Genome position (GRCh38, 1-based): chr2:17,766,579, G>T. VCF-style: chr2-17766579-G-T. GRCh37 (hg19) VCF-style: chr2-17947846-G-T.
Other names: c.526G>T, p.Asp176Tyr (NM_182625.5); short protein forms D176Y.
Identifiers: ClinVar variation 4029234 (VCV004029234.1).

ClinVar aggregate classification (germline): Uncertain significance (1 of 4 stars; one submission).

Submission:

Ambry Genetics
Classification: Uncertain significance. Last evaluated: 2025-04-18. Review status: criteria provided, single submitter. Criteria: Ambry Variant Classification Scheme 2023. Collection method: clinical testing. Allele origin: germline.
Comment: The p.D176Y variant (also known as c.526G>T) is located in coding exon 4 of the GEN1 gene. The aspartic acid at codon 176 is replaced by tyrosine, an amino acid with highly dissimilar properties. This change occurs in the first base pair of coding exon 4. This amino acid position is conserved. In addition, this alteration is predicted to be deleterious by in silico analysis. Based on the available evidence, the clinical significance of this variant remains unclear.